The following is an entry in ClinVar:

ClinVar aggregate classification (germline): Uncertain significance (1 of 4 stars; one submission).

Submission:

GeneDx
Classification: Uncertain significance. Last evaluated: 2022-11-14. Review status: criteria provided, single submitter. Criteria: GeneDx Variant Classification Process June 2021. Collection method: clinical testing. Allele origin: germline. Affected: yes.
Comment: Not observed at significant frequency in large population cohorts (gnomAD); In silico analysis supports that this missense variant has a deleterious effect on protein structure/function; Has not been previously published as pathogenic or benign to our knowledge

NM_001110556.2(FLNA):c.4370G>T (p.Gly1457Val)

Gene: FLNA (filamin A; minus strand). Cytogenetic location: Xq28.
Variant type: single nucleotide variant.
Coding change: c.4370G>T on transcript NM_001110556.2 (MANE Select); coding-DNA position 4370, G replaced by T.
Protein change: p.Gly1457Val; replaces glycine 1457 with valine.
Molecular consequence: missense variant.
Genome position (GRCh38, 1-based): chrX:154,359,088, C>A on the plus strand (G>T on the coding strand, the complement: FLNA is on the minus strand). VCF-style: chrX-154359088-C-A. GRCh37 (hg19) VCF-style: chrX-153587456-C-A.
Other names: c.4370G>T, p.Gly1457Val (NM_001456.4); short protein forms G1457V.
Identifiers: ClinVar variation 2502011 (VCV002502011.1), dbSNP rs2522737383, ClinGen allele CA415216913.